The following is an entry in ClinVar:

NM_001330723.2(SNX27):c.656T>C (p.Leu219Pro)

Gene: SNX27 (sorting nexin 27; plus strand). Cytogenetic location: 1q21.3.
Variant type: single nucleotide variant.
Coding change: c.656T>C on transcript NM_001330723.2 (MANE Select); coding-DNA position 656, T replaced by C.
Protein change: p.Leu219Pro; replaces leucine 219 with proline.
Molecular consequence: missense variant.
Genome position (GRCh38, 1-based): chr1:151,658,347, T>C. VCF-style: chr1-151658347-T-C. GRCh37 (hg19) VCF-style: chr1-151630823-T-C.
Other names: c.656T>C, p.Leu219Pro (NM_030918.6); short protein forms L219P.
Identifiers: ClinVar variation 948104 (VCV000948104.10), dbSNP rs1669792785, ClinGen allele CA341958819.
Genomic context (GRCh38, chr1:151,658,347, plus strand): 5'-AGTTTGCTATCCTACACCAGAACCTGAAGAGAGAGTTTGCCAACTTTACATTTCCTCGAC[T>C]CCCAGGGAAGTGGCCATTTTCATTATCAGAACAACAATTAGATGCCCGACGTCGGGGATT-3'
Protein context (NP_001317652.1, residues 209-229): REFANFTFPR[Leu219Pro]PGKWPFSLSE

ClinVar aggregate classification (germline): Uncertain significance (1 of 4 stars; one submission).

Conditions:
Severe myoclonic epilepsy in infancy (DRVT). Also called: SEVERE MYOCLONIC EPILEPSY OF INFANCY; Dravet syndrome; Epileptic encephalopathy, early infantile, 6 (Dravet syndrome); DEVELOPMENTAL AND EPILEPTIC ENCEPHALOPATHY 6A; Severe Myoclonic Epilepsy in Infancy (SMEI). Identifiers: Orphanet 33069, MedGen C0751122, MONDO:0100135, OMIM 607208.

Submission:

Labcorp Genetics (formerly Invitae), Labcorp
Classification: Uncertain significance for Severe myoclonic epilepsy in infancy. Last evaluated: 2019-05-27. Review status: criteria provided, single submitter. Criteria: Invitae Variant Classification Sherloc (09022015). Collection method: clinical testing. Allele origin: germline.
Comment: This sequence change replaces leucine with proline at codon 219 of the SNX27 protein (p.Leu219Pro). The leucine residue is highly conserved and there is a moderate physicochemical difference between leucine and proline. This variant is not present in population databases (ExAC no frequency). This variant has not been reported in the literature in individuals with SNX27-related conditions. Algorithms developed to predict the effect of missense changes on protein structure and function (SIFT, PolyPhen-2, Align-GVGD) all suggest that this variant is likely to be disruptive, but these predictions have not been confirmed by published functional studies and their clinical significance is uncertain. In summary, the available evidence is currently insufficient to determine the role of this variant in disease. Therefore, it has been classified as a Variant of Uncertain Significance.